The following is an entry in ClinVar:

ClinVar aggregate classification (germline): Uncertain significance (1 of 4 stars; one submission).

Submission:

Labcorp Genetics (formerly Invitae), Labcorp
Classification: Uncertain significance. Last evaluated: 2024-04-22. Review status: criteria provided, single submitter. Criteria: Invitae Variant Classification Sherloc (09022015). Collection method: clinical testing. Allele origin: germline.
Comment: This sequence change replaces lysine, which is basic and polar, with asparagine, which is neutral and polar, at codon 2699 of the TRRAP protein (p.Lys2699Asn). This variant is not present in population databases (gnomAD no frequency). This variant has not been reported in the literature in individuals affected with TRRAP-related conditions. Advanced modeling of protein sequence and biophysical properties (such as structural, functional, and spatial information, amino acid conservation, physicochemical variation, residue mobility, and thermodynamic stability) performed at Invitae indicates that this missense variant is not expected to disrupt TRRAP protein function with a negative predictive value of 80%. In summary, the available evidence is currently insufficient to determine the role of this variant in disease. Therefore, it has been classified as a Variant of Uncertain Significance.

NM_001375524.1(TRRAP):c.8172G>C (p.Lys2724Asn)

Gene: TRRAP (transformation/transcription domain associated protein; plus strand). Cytogenetic location: 7q22.1.
Variant type: single nucleotide variant.
Coding change: c.8172G>C on transcript NM_001375524.1 (MANE Select); coding-DNA position 8172, G replaced by C.
Protein change: p.Lys2724Asn; replaces lysine 2724 with asparagine.
Molecular consequence: missense variant.
Genome position (GRCh38, 1-based): chr7:98,976,695, G>C. VCF-style: chr7-98976695-G-C. GRCh37 (hg19) VCF-style: chr7-98574318-G-C.
Other names: c.8151G>C, p.Lys2717Asn (NM_001244580.2); c.8097G>C, p.Lys2699Asn (NM_003496.4); short protein forms K2724N, K2699N, K2717N.
Identifiers: ClinVar variation 2701737 (VCV002701737.3), dbSNP rs2484948332, ClinGen allele CA368303876.
Genomic context (GRCh38, chr7:98,976,695, plus strand): 5'-GAAGACACACAACCTCTGGTTCCGGTCCACGCTGATGTTGGAGCACCAGGCTTTTGAAAA[G>C]GGTCTGAGTCTTCAGATTAAGCCGAAGCAAACAACGGAGTTTTATGAGCAGGAGAGCATC-3'
Protein context (NP_001362453.1, residues 2714-2734): TLMLEHQAFE[Lys2724Asn]GLSLQIKPKQ